The following is an entry in ClinVar:

NM_001367561.1(DOCK7):c.156C>T (p.Thr52=)

Gene: DOCK7 (dedicator of cytokinesis 7; minus strand). Cytogenetic location: 1p31.3.
Variant type: single nucleotide variant.
Coding change: c.156C>T on transcript NM_001367561.1 (MANE Select); coding-DNA position 156, C replaced by T.
Protein change: p.Thr52=; no amino-acid change (threonine 52 retained).
Molecular consequence: synonymous variant.
Genome position (GRCh38, 1-based): chr1:62,654,148, G>A on the plus strand (C>T on the coding strand, the complement: DOCK7 is on the minus strand). VCF-style: chr1-62654148-G-A. GRCh37 (hg19) VCF-style: chr1-63119819-G-A.
Other names: c.156C>T, p.Thr52= (NM_001271999.2, NM_001272000.2, NM_001272001.2 and 3 more transcripts).
Identifiers: ClinVar variation 475128 (VCV000475128.37), dbSNP rs147045113, ClinGen allele CA887254.

ClinVar aggregate classification (germline): Likely benign. Review status: criteria provided, multiple submitters, no conflicts (2 of 4 stars). 4 submissions from 4 submitters: Likely benign (4). Last evaluated 2026-01-01.

Conditions:
Developmental and epileptic encephalopathy, 23 (DEE23). Also called: Epileptic encephalopathy, early infantile, 23. Identifiers: Orphanet 411986, MedGen C4014492, MONDO:0014371, OMIM 615859.

Allele frequency attached by ClinVar (database versions not stated): gnomAD 0.00025; ExAC 0.00026; TOPMed 0.00026; ESP Exome Variant Server 0.00031; 1000 Genomes Project 30x 0.00062.
gnomAD v4.1: 272 of 1,612,142 alleles (0.017%); highest among the groups gnomAD compares: African/African-American, 0.079%; no homozygotes.

Submissions (4):

CeGaT Center for Human Genetics Tuebingen
Classification: Likely benign. Last evaluated: 2026-01-01. Review status: criteria provided, single submitter. Criteria: CeGaT Center For Human Genetics Tuebingen Variant Classification Criteria Version 2. Collection method: clinical testing. Allele origin: germline. Affected: yes. Observed: 2 variant alleles.
Comment: DOCK7: BP4, BP7

Labcorp Genetics (formerly Invitae), Labcorp
Classification: Likely benign for Developmental and epileptic encephalopathy, 23. Last evaluated: 2025-10-23. Review status: criteria provided, single submitter. Criteria: Invitae Variant Classification Sherloc (09022015). Collection method: clinical testing. Allele origin: germline.

Genome-Nilou Lab
Classification: Likely benign for Developmental and epileptic encephalopathy, 23. Last evaluated: 2023-04-11. Review status: criteria provided, single submitter. Criteria: ACMG Guidelines, 2015. Collection method: clinical testing. Allele origin: germline. Affected: no.

Breakthrough Genomics
Classification: Likely benign. Review status: criteria provided, single submitter. Criteria: ACMG Guidelines, 2015. Collection method: not provided. Allele origin: germline. Inheritance: Autosomal recessive inheritance. Affected: yes.